The following is an entry in ClinVar:

ClinVar aggregate classification (germline): Uncertain significance. Review status: criteria provided, multiple submitters, no conflicts (2 of 4 stars). 2 submissions from 2 submitters: Uncertain significance (2). Last evaluated 2026-01-13.

Conditions:
Myofibrillar myopathy 4. Also called: Zaspopathy (type). Identifiers: Orphanet 98912, MedGen C4721886, MONDO:0012277, OMIM 609452.
Cardiovascular phenotype. Identifiers: MedGen CN230736.

gnomAD v4.1: 1 of 1,614,178 alleles (0.000062%); highest among the groups gnomAD compares: African/African-American, 0.0013%; no homozygotes.

Submissions (2):

Labcorp Genetics (formerly Invitae), Labcorp
Classification: Uncertain significance for Myofibrillar myopathy 4. Last evaluated: 2026-01-13. Review status: criteria provided, single submitter. Criteria: Invitae Variant Classification Sherloc (09022015). Collection method: clinical testing. Allele origin: germline.
Comment: This sequence change replaces glycine, which is neutral and non-polar, with cysteine, which is neutral and slightly polar, at codon 46 of the LDB3 protein (p.Gly46Cys). This variant is present in population databases (rs776046497, gnomAD 0.007%). This variant has not been reported in the literature in individuals affected with LDB3-related conditions. ClinVar contains an entry for this variant (Variation ID: 4046679). An algorithm developed to predict the effect of missense changes on protein structure and function (PolyPhen-2) suggests that this variant is likely to be disruptive. In summary, the available evidence is currently insufficient to determine the role of this variant in disease. Therefore, it has been classified as a Variant of Uncertain Significance.

Ambry Genetics
Classification: Uncertain significance for Cardiovascular phenotype. Last evaluated: 2025-04-23. Review status: criteria provided, single submitter. Criteria: Ambry Variant Classification Scheme 2023. Collection method: clinical testing. Allele origin: germline.
Comment: The p.G46C variant (also known as c.136G>T), located in coding exon 2 of the LDB3 gene, results from a G to T substitution at nucleotide position 136. The glycine at codon 46 is replaced by cysteine, an amino acid with highly dissimilar properties. This amino acid position is conserved. In addition, this alteration is predicted to be deleterious by in silico analysis. Based on the available evidence, the clinical significance of this variant remains unclear.

NM_007078.3(LDB3):c.136G>T (p.Gly46Cys)

Gene: LDB3 (LIM domain binding 3; plus strand). Cytogenetic location: 10q23.2.
Variant type: single nucleotide variant.
Coding change: c.136G>T on transcript NM_007078.3 (MANE Select); coding-DNA position 136, G replaced by T.
Protein change: p.Gly46Cys; replaces glycine 46 with cysteine.
Molecular consequence: missense variant.
Genome position (GRCh38, 1-based): chr10:86,679,409, G>T. VCF-style: chr10-86679409-G-T. GRCh37 (hg19) VCF-style: chr10-88439166-G-T.
Other names: c.136G>T, p.Gly46Cys (NM_001080114.2, NM_001080115.2, NM_001080116.1 and 8 more transcripts); short protein forms G46C.
Identifiers: ClinVar variation 4046679 (VCV004046679.2).